The following is an entry in ClinVar:

NM_177972.3(TUB):c.726dup (p.Pro243fs)

Genes: RIC3 (RIC3 acetylcholine receptor chaperone; minus strand), TUB (TUB bipartite transcription factor; plus strand). Cytogenetic location: 11p15.4.
Variant type: Duplication.
Coding change: c.726dup on transcript NM_177972.3 (MANE Select); coding-DNA position 726, one base duplicated (A; older notation c.726dupA).
Protein change: p.Pro243fs; shifts the reading frame from proline 243.
Molecular consequence: frameshift variant.
Genome position (GRCh38, 1-based): chr11:8,097,266, A duplicated; the last of 2 consecutive A bases (chr11:8,097,265-8,097,266); duplicating either gives the same sequence. VCF-style (leftmost placement, unchanged base first): chr11-8097264-C-CA. GRCh37 (hg19) VCF-style: chr11-8118811-C-CA.
Other names: c.891dup, p.Pro298fs (NM_003320.5); short protein forms P298fs, P243fs.
Identifiers: ClinVar variation 860995 (VCV000860995.8), dbSNP rs1250737342, ClinGen allele CA597441604.

ClinVar aggregate classification (germline): Pathogenic/Likely pathogenic. Review status: criteria provided, multiple submitters, no conflicts (2 of 4 stars). 2 submissions from 2 submitters: Pathogenic (1); Likely pathogenic (1). Last evaluated 2022-01-06.

Conditions:
TUB-related disorder. Also called: TUB-related condition.

Submissions (2):

Labcorp Genetics (formerly Invitae), Labcorp
Classification: Pathogenic. Last evaluated: 2022-01-06. Review status: criteria provided, single submitter. Criteria: Invitae Variant Classification Sherloc (09022015). Collection method: clinical testing. Allele origin: germline.
Comment: For these reasons, this variant has been classified as Pathogenic. ClinVar contains an entry for this variant (Variation ID: 860995). This variant has not been reported in the literature in individuals affected with TUB-related conditions. This variant is present in population databases (no rsID available, gnomAD no frequency). This sequence change creates a premature translational stop signal (p.Pro298Thrfs*5) in the TUB gene. It is expected to result in an absent or disrupted protein product. Loss-of-function variants in TUB are known to be pathogenic (PMID: 24375934).

Blueprint Genetics
Classification: Likely pathogenic for TUB-related disorders. Last evaluated: 2019-11-05. Review status: criteria provided, single submitter. Criteria: ACMG Guidelines, 2015. Collection method: clinical testing. Allele origin: germline. Affected: yes. Observed: 1 variant allele.

Literature cited by the submitters: PubMed 24375934 (cited by Labcorp Genetics (formerly Invitae), Labcorp).